The following is an entry in ClinVar:

ClinVar aggregate classification (germline): Benign (0 of 4 stars; one submission).

Conditions:
CD44-related disorder. Also called: CD44-related condition.

Allele frequency attached by ClinVar (database versions not stated): gnomAD exomes 0.83071; ESP Exome Variant Server 0.86323; ExAC 0.88065; TOPMed 0.88446; 1000 Genomes Project 30x 0.93801; 1000 Genomes Project 0.93910.

Submission:

PreventionGenetics, part of Exact Sciences
Classification: Benign for CD44-related condition. Last evaluated: 2019-10-16. Review status: no assertion criteria provided. Collection method: clinical testing. Allele origin: germline.
Comment: This variant is classified as benign based on ACMG/AMP sequence variant interpretation guidelines (Richards et al. 2015 PMID: 25741868, with internal and published modifications).

NM_000610.4(CD44):c.1436T>C (p.Ile479Thr)

Gene: CD44 (CD44 molecule (IN blood group); plus strand). Cytogenetic location: 11p13.
Variant type: single nucleotide variant.
Coding change: c.1436T>C on transcript NM_000610.4 (MANE Select); coding-DNA position 1436, T replaced by C.
Protein change: p.Ile479Thr; replaces isoleucine 479 with threonine.
Molecular consequence: missense variant. On other transcripts: intron variant (5).
Genome position (GRCh38, 1-based): chr11:35,208,126, T>C. VCF-style: chr11-35208126-T-C. GRCh37 (hg19) VCF-style: chr11-35229673-T-C.
Other names: c.1307T>C, p.Ile436Thr (NM_001001389.2); c.689T>C, p.Ile230Thr (NM_001001390.2); c.668-3120T>C (NM_001202555.2); c.668-6726T>C (NM_001001391.2, NM_001202557.2); c.668-11190T>C (NM_001202556.2); c.234-13579T>C (NM_001001392.2); short protein forms I230T, I436T, I479T.
Identifiers: ClinVar variation 3058927 (VCV003058927.2), dbSNP rs1467558, ClinGen allele CA5946704.